The following is an entry in ClinVar:

NM_001025603.2(RFX5):c.1688C>T (p.Ser563Leu)

Gene: RFX5 (regulatory factor X5; minus strand). Cytogenetic location: 1q21.3.
Variant type: single nucleotide variant.
Coding change: c.1688C>T on transcript NM_001025603.2 (MANE Select); coding-DNA position 1688, C replaced by T.
Protein change: p.Ser563Leu; replaces serine 563 with leucine.
Molecular consequence: missense variant.
Genome position (GRCh38, 1-based): chr1:151,342,349, G>A on the plus strand (C>T on the coding strand, the complement: RFX5 is on the minus strand). VCF-style: chr1-151342349-G-A. GRCh37 (hg19) VCF-style: chr1-151314825-G-A.
Other names: c.1688C>T, p.Ser563Leu (NM_000449.4, NM_001379412.1, NM_001379413.1 and 5 more transcripts); c.1568C>T, p.Ser523Leu (NM_001379419.1, NM_001379420.1); short protein forms S563L, S523L.
Identifiers: ClinVar variation 578282 (VCV000578282.14), dbSNP rs150072792, ClinGen allele CA1089557.
Genomic context (GRCh38, chr1:151,342,349, plus strand): 5'-CCCTTTGCCAAAGGAAAAGCCTCCTTTTGGCTTCTGCTGCCCTTGATGACACTCACTTTT[G>A]AGGGGACCAAGGGAATTTTATCTTCTGCTTCTTTGGTATGCTGGGAACCGGGGCCCCTTC-3'
Protein context (NP_001020774.1, residues 553-573): EAEDKIPLVP[Ser563Leu]KVSVIKGSRS

ClinVar aggregate classification (germline): Uncertain significance. Review status: criteria provided, multiple submitters, no conflicts (2 of 4 stars). 6 submissions from 6 submitters: Uncertain significance (6). Last evaluated 2024-10-18.

Conditions:
MHC class II deficiency. Also called: BLS, TYPE II; Bare lymphocyte syndrome 2. Identifiers: Orphanet 572, MedGen C5447452, MONDO:0008855.

Allele frequency attached by ClinVar (database versions not stated): 1000 Genomes Project 30x 0.00016; 1000 Genomes Project 0.00020; ESP Exome Variant Server 0.00046; ExAC 0.00047; TOPMed 0.00057; gnomAD exomes 0.00058.

Submissions (6):

Blueprint Genetics
Classification: Uncertain significance. Last evaluated: 2024-10-18. Review status: criteria provided, single submitter. Criteria: ACMG Guidelines, 2015. Collection method: clinical testing. Allele origin: germline.

Women's Health and Genetics/Laboratory Corporation of America, LabCorp
Classification: Uncertain significance. Last evaluated: 2024-10-14. Review status: criteria provided, single submitter. Criteria: LabCorp Variant Classification Summary - May 2015. Collection method: clinical testing. Allele origin: germline.
Comment: Variant summary: RFX5 c.1688C>T (p.Ser563Leu) results in a non-conservative amino acid change located in the RFX5, C-terminal (IPR029298) of the encoded protein sequence. Four of five in-silico tools predict a benign effect of the variant on protein function. The variant allele was found at a frequency of 0.00058 in 251488 control chromosomes. This frequency is not significantly higher than estimated for a pathogenic variant in RFX5 causing Bare Lymphocyte Syndrome 2 - RFX5 Related (0.00058 vs 0.0011), allowing no conclusion about variant significance. c.1688C>T has been reported in the literature in individuals affected with Inflammatory Bowel disease (Kelsen_2015). These report(s) do not provide unequivocal conclusions about association of the variant with Bare Lymphocyte Syndrome 2 - RFX5 Related. To our knowledge, no experimental evidence demonstrating an impact on protein function has been reported. The following publication have been ascertained in the context of this evaluation (PMID: 26193622). ClinVar contains an entry for this variant (Variation ID: 578282). Based on the evidence outlined above, the variant was classified as uncertain significance.

Genome-Nilou Lab
Classification: Uncertain significance for MHC class II deficiency 1. Last evaluated: 2023-04-11. Review status: criteria provided, single submitter. Criteria: ACMG Guidelines, 2015. Collection method: clinical testing. Allele origin: germline. Affected: no.

Labcorp Genetics (formerly Invitae), Labcorp
Classification: Uncertain significance for MHC class II deficiency. Last evaluated: 2022-11-01. Review status: criteria provided, single submitter. Criteria: Invitae Variant Classification Sherloc (09022015). Collection method: clinical testing. Allele origin: germline.
Comment: This sequence change replaces serine, which is neutral and polar, with leucine, which is neutral and non-polar, at codon 563 of the RFX5 protein (p.Ser563Leu). This variant is present in population databases (rs150072792, gnomAD 0.1%), and has an allele count higher than expected for a pathogenic variant. This missense change has been observed in individual(s) with early onset inflammatory bowel disease (PMID: 26193622). ClinVar contains an entry for this variant (Variation ID: 578282). Algorithms developed to predict the effect of missense changes on protein structure and function output the following: SIFT: "Tolerated"; PolyPhen-2: "Benign"; Align-GVGD: "Class C0". The leucine amino acid residue is found in multiple mammalian species, which suggests that this missense change does not adversely affect protein function. In summary, the available evidence is currently insufficient to determine the role of this variant in disease. Therefore, it has been classified as a Variant of Uncertain Significance.

Fulgent Genetics
Classification: Uncertain significance for MHC class II deficiency 1. Last evaluated: 2022-04-11. Review status: criteria provided, single submitter. Criteria: ACMG Guidelines, 2015. Collection method: clinical testing. Allele origin: unknown.

Illumina Laboratory Services, Illumina
Classification: Uncertain significance for MHC class II deficiency 1. Last evaluated: 2018-01-12. Review status: criteria provided, single submitter. Criteria: ICSL Variant Classification Criteria 13 December 2019. Collection method: clinical testing. Allele origin: germline.

Literature cited by the submitters: PubMed 26193622 (cited by Women's Health and Genetics/Laboratory Corporation of America, LabCorp and Labcorp Genetics (formerly Invitae), Labcorp).